The following is an entry in ClinVar:

NM_006445.4(PRPF8):c.188del (p.Pro63fs)

Gene: PRPF8 (pre-mRNA processing factor 8; minus strand). Cytogenetic location: 17p13.3.
Variant type: Deletion.
Coding change: c.188del on transcript NM_006445.4 (MANE Select); coding-DNA position 188, one base deleted (C; older notation c.188delC).
Protein change: p.Pro63fs; shifts the reading frame from proline 63.
Molecular consequence: frameshift variant.
Genome position (GRCh38, 1-based): chr17:1,683,614, G deleted on the plus strand (C on the coding strand, the reverse complement: PRPF8 is on the minus strand); the first of 5 consecutive G bases (chr17:1,683,614-1,683,618); deleting any one gives the same sequence. VCF-style (leftmost placement, unchanged base first): chr17-1683613-TG-T. GRCh37 (hg19) VCF-style: chr17-1586907-TG-T.
Other names: short protein forms P63fs.
Identifiers: ClinVar variation 4539891 (VCV004539891.1).

ClinVar aggregate classification (germline): Uncertain significance (1 of 4 stars; one submission).

Submission:

GeneDx
Classification: Uncertain significance. Last evaluated: 2025-06-25. Review status: criteria provided, single submitter. Criteria: GeneDx Variant Classification Process June 2021. Collection method: clinical testing. Allele origin: germline. Affected: yes.
Comment: Frameshift variant predicted to result in protein truncation or nonsense mediated decay in a gene for which loss-of-function is not a known mechanism of disease; Not observed at significant frequency in large population cohorts (gnomAD); Has not been previously published as pathogenic or benign to our knowledge